The following is an entry in ClinVar:

ClinVar aggregate classification (germline): Uncertain significance. Review status: criteria provided, multiple submitters, no conflicts (2 of 4 stars). 2 submissions from 2 submitters: Uncertain significance (2). Last evaluated 2026-07-07.

Conditions:
Hereditary cancer-predisposing syndrome. Also called: Hereditary Cancer Syndrome; Tumor predisposition; Neoplastic Syndromes, Hereditary; Hereditary neoplastic syndrome. Identifiers: Orphanet 140162, MedGen C0027672, MeSH D009386, MONDO:0015356.
EGFR-related lung cancer (EGFR). Identifiers: MedGen CN130014.

Allele frequency attached by ClinVar (database versions not stated): TOPMed below 0.00001; gnomAD exomes below 0.00001.
gnomAD v4.1: 1 of 1,614,138 alleles (0.000062%); highest among the groups gnomAD compares: Non-Finnish European, 0.000085%; no homozygotes.

Submissions (2):

Ambry Genetics
Classification: Uncertain significance for Hereditary cancer-predisposing syndrome. Last evaluated: 2026-07-07. Review status: criteria provided, single submitter. Criteria: Ambry Variant Classification Scheme 2023. Collection method: clinical testing. Allele origin: germline.
Comment: The p.S1190A variant (also known as c.3568T>G), located in coding exon 28 of the EGFR gene, results from a T to G substitution at nucleotide position 3568. The serine at codon 1190 is replaced by alanine, an amino acid with similar properties. This amino acid position is conserved. In addition, this alteration is predicted to be tolerated by in silico analysis. Based on the available evidence, the clinical significance of this variant remains unclear.

Labcorp Genetics (formerly Invitae), Labcorp
Classification: Uncertain significance for EGFR-related lung cancer. Last evaluated: 2025-08-07. Review status: criteria provided, single submitter. Criteria: Invitae Variant Classification Sherloc (09022015). Collection method: clinical testing. Allele origin: germline.
Comment: This sequence change replaces serine, which is neutral and polar, with alanine, which is neutral and non-polar, at codon 1190 of the EGFR protein (p.Ser1190Ala). This variant is not present in population databases (gnomAD no frequency). This variant has not been reported in the literature in individuals affected with EGFR-related conditions. ClinVar contains an entry for this variant (Variation ID: 1482550). An algorithm developed to predict the effect of missense changes on protein structure and function (PolyPhen-2) suggests that this variant is likely to be tolerated. In summary, the available evidence is currently insufficient to determine the role of this variant in disease. Therefore, it has been classified as a Variant of Uncertain Significance.

NM_005228.5(EGFR):c.3568T>G (p.Ser1190Ala)

Gene: EGFR (epidermal growth factor receptor; plus strand). Cytogenetic location: 7p11.2.
Variant type: single nucleotide variant.
Coding change: c.3568T>G on transcript NM_005228.5 (MANE Select); coding-DNA position 3568, T replaced by G.
Protein change: p.Ser1190Ala; replaces serine 1190 with alanine.
Molecular consequence: missense variant.
Genome position (GRCh38, 1-based): chr7:55,205,552, T>G. VCF-style: chr7-55205552-T-G. GRCh37 (hg19) VCF-style: chr7-55273245-T-G.
Other names: c.3433T>G, p.Ser1145Ala (NM_001346899.2); c.3409T>G, p.Ser1137Ala (NM_001346900.2); c.2767T>G, p.Ser923Ala (NM_001346941.2); c.3568T>G (NM_005228.3); short protein forms S1190A, S1137A, S1145A, S923A.
Identifiers: ClinVar variation 1482550 (VCV001482550.9), dbSNP rs1788076781, ClinGen allele CA367584914.